The following is an entry in ClinVar:

ClinVar aggregate classification (germline): Uncertain significance (1 of 4 stars; one submission).

Submission:

GeneDx
Classification: Uncertain significance. Last evaluated: 2025-05-14. Review status: criteria provided, single submitter. Criteria: GeneDx Variant Classification Process June 2021. Collection method: clinical testing. Allele origin: germline. Affected: yes.
Comment: Not observed at significant frequency in large population cohorts (gnomAD); In silico analysis suggests that this missense variant does not alter protein structure/function; Has not been previously published as pathogenic or benign to our knowledge

NM_001142966.3(GREB1L):c.3188A>T (p.Tyr1063Phe)

Gene: GREB1L (GREB1 like retinoic acid receptor coactivator; plus strand). Cytogenetic location: 18q11.1.
Variant type: single nucleotide variant.
Coding change: c.3188A>T on transcript NM_001142966.3 (MANE Select); coding-DNA position 3188, A replaced by T.
Protein change: p.Tyr1063Phe; replaces tyrosine 1063 with phenylalanine.
Molecular consequence: missense variant.
Genome position (GRCh38, 1-based): chr18:21,496,495, A>T. VCF-style: chr18-21496495-A-T. GRCh37 (hg19) VCF-style: chr18-19076456-A-T.
Other names: c.3317A>T, p.Tyr1106Phe (NM_001410867.1); c.2861A>T, p.Tyr954Phe (NM_001410868.1); short protein forms Y1063F, Y1106F, Y954F.
Identifiers: ClinVar variation 4529604 (VCV004529604.1).